The following is an entry in ClinVar:

ClinVar aggregate classification (germline): Likely benign. Review status: criteria provided, multiple submitters, no conflicts (2 of 4 stars). 3 submissions from 3 submitters: Likely benign (3). Last evaluated 2023-05-26.

Conditions:
Autosomal recessive limb-girdle muscular dystrophy type 2G (LGMDR7). Also called: MUSCULAR DYSTROPHY, LIMB-GIRDLE, AUTOSOMAL RECESSIVE 7; Limb-girdle muscular dystrophy, type 2G; Telethoninopathy. Identifiers: Orphanet 34514, MedGen C1866008, MONDO:0011170, OMIM 601954.
Hypertrophic cardiomyopathy 25 (CMH25). Also called: CARDIOMYOPATHY, FAMILIAL HYPERTROPHIC, 25. Identifiers: MedGen C4225408, MONDO:0011843, OMIM 607487.

Allele frequency attached by ClinVar (database versions not stated): gnomAD exomes 0.00002 and 0.00004; ExAC 0.00004; gnomAD 0.00010 and 0.00011; TOPMed 0.00015; 1000 Genomes Project 30x 0.00016; ESP Exome Variant Server 0.00031.

Submissions (3):

Blueprint Genetics
Classification: Likely benign. Last evaluated: 2023-05-26. Review status: criteria provided, single submitter. Criteria: ACMG Guidelines, 2015. Collection method: clinical testing. Allele origin: germline.

Fulgent Genetics
Classification: Likely benign for Autosomal recessive limb-girdle muscular dystrophy type 2G; Hypertrophic cardiomyopathy 25. Last evaluated: 2021-09-07. Review status: criteria provided, single submitter. Criteria: ACMG Guidelines, 2015. Collection method: clinical testing. Allele origin: unknown.

GeneDx
Classification: Likely benign. Last evaluated: 2018-02-12. Review status: criteria provided, single submitter. Criteria: GeneDx Variant Classification (06012015). Collection method: clinical testing. Allele origin: germline. Affected: yes.
Comment: This variant is considered likely benign or benign based on one or more of the following criteria: it is a conservative change, it occurs at a poorly conserved position in the protein, it is predicted to be benign by multiple in silico algorithms, and/or has population frequency not consistent with disease.

NM_003673.4(TCAP):c.-13A>G

Gene: TCAP (titin-cap; plus strand). Cytogenetic location: 17q12.
Variant type: single nucleotide variant.
Coding change: c.-13A>G on transcript NM_003673.4 (MANE Select); 13 bases upstream of the start codon, A replaced by G.
Genome position (GRCh38, 1-based): chr17:39,665,347, A>G. VCF-style: chr17-39665347-A-G. GRCh37 (hg19) VCF-style: chr17-37821600-A-G.
Identifiers: ClinVar variation 202101 (VCV000202101.5), dbSNP rs368175926, ClinGen allele CA308816.
Genomic context (GRCh38, chr17:39,665,347, plus strand): 5'-AATAGCCCCTGGAGAAGGGGGAGGAGGGGGCTATTTAAAGGGCCTGGGAGGGGAGAGAGA[A>G]TGAGGAGTGATCATGGCTACCTCAGAGCTGAGCTGCGAGGTGTCGGAGGAGAACTGTGAG-3'